The following is an entry in ClinVar:

NM_021072.4(HCN1):c.1782A>T (p.Ile594=)

Gene: HCN1 (hyperpolarization activated cyclic nucleotide gated potassium channel 1; minus strand). Cytogenetic location: 5p12.
Variant type: single nucleotide variant.
Coding change: c.1782A>T on transcript NM_021072.4 (MANE Select); coding-DNA position 1782, A replaced by T.
Protein change: p.Ile594=; no amino-acid change (isoleucine 594 retained).
Molecular consequence: synonymous variant.
Genome position (GRCh38, 1-based): chr5:45,267,090, T>A on the plus strand (A>T on the coding strand, the complement: HCN1 is on the minus strand). VCF-style: chr5-45267090-T-A. GRCh37 (hg19) VCF-style: chr5-45267192-T-A.
Identifiers: ClinVar variation 2152598 (VCV002152598.4), dbSNP rs1286683037, ClinGen allele CA444256830.

ClinVar aggregate classification (germline): Uncertain significance (1 of 4 stars; one submission).

Conditions:
Early-infantile DEE. Also called: Early infantile epileptic encephalopathy; Early infantile epileptic encephalopathy with suppression bursts; Ohtahara syndrome. Identifiers: Orphanet 1934, MedGen C0393706, MONDO:0800491.

Allele frequency attached by ClinVar (database versions not stated): gnomAD exomes below 0.00001.
gnomAD v4.1: 2 of 1,610,644 alleles (0.00012%); highest among the groups gnomAD compares: Admixed American, 0.0017%; no homozygotes.

Submission:

Labcorp Genetics (formerly Invitae), Labcorp
Classification: Uncertain significance for Early-infantile DEE. Last evaluated: 2024-01-06. Review status: criteria provided, single submitter. Criteria: Invitae Variant Classification Sherloc (09022015). Collection method: clinical testing. Allele origin: germline.
Comment: This sequence change affects codon 594 of the HCN1 mRNA. It is a 'silent' change, meaning that it does not change the encoded amino acid sequence of the HCN1 protein. It affects a nucleotide within the consensus splice site. This variant is present in population databases (no rsID available, gnomAD 0.003%). This variant has not been reported in the literature in individuals affected with HCN1-related conditions. ClinVar contains an entry for this variant (Variation ID: 2152598). Algorithms developed to predict the effect of sequence changes on RNA splicing suggest that this variant is not likely to affect RNA splicing. In summary, the available evidence is currently insufficient to determine the role of this variant in disease. Therefore, it has been classified as a Variant of Uncertain Significance.